The following is an entry in ClinVar:

ClinVar aggregate classification (germline): Uncertain significance. Review status: criteria provided, multiple submitters, no conflicts (2 of 4 stars). 2 submissions from 2 submitters: Uncertain significance (2). Last evaluated 2021-08-27.

Conditions:
Immunodeficiency 104. Also called: Severe combined immunodeficiency, autosomal recessive, T cell-negative, B cell-positive, NK cell-positive; SCID, AUTOSOMAL RECESSIVE, T CELL-NEGATIVE, B CELL-POSITIVE, NK CELL-POSITIVE; Severe Combined Immune Deficiency, Autosomal Recessive, TCell -Negative, B Cell-Positive, NK Cell-Positive, IL7R-Related; IMMUNODEFICIENCY 104, SEVERE COMBINED. Identifiers: MedGen C5676890, MONDO:0012163, OMIM 608971.
Inborn genetic diseases. Identifiers: MedGen C0950123, MeSH D030342.

Allele frequency attached by ClinVar (database versions not stated): TOPMed 0.00002; ExAC 0.00003.
gnomAD v4.1: 23 of 1,613,256 alleles (0.0014%); highest among the groups gnomAD compares: Middle Eastern, 0.016%; no homozygotes.

Submissions (2):

Labcorp Genetics (formerly Invitae), Labcorp
Classification: Uncertain significance for Immunodeficiency 104. Last evaluated: 2021-08-27. Review status: criteria provided, single submitter. Criteria: Invitae Variant Classification Sherloc (09022015). Collection method: clinical testing. Allele origin: germline.
Comment: This sequence change replaces threonine with methionine at codon 1284 of the PTPRC protein (p.Thr1284Met). The threonine residue is moderately conserved and there is a moderate physicochemical difference between threonine and methionine. This variant is present in population databases (rs762501047, ExAC 0.02%). This variant has not been reported in the literature in individuals affected with PTPRC-related conditions. Algorithms developed to predict the effect of missense changes on protein structure and function output the following: SIFT: "Deleterious"; PolyPhen-2: "Benign"; Align-GVGD: "Class C0". The methionine amino acid residue is found in multiple mammalian species, which suggests that this missense change does not adversely affect protein function. In summary, the available evidence is currently insufficient to determine the role of this variant in disease. Therefore, it has been classified as a Variant of Uncertain Significance.

Ambry Genetics
Classification: Uncertain significance for Inborn genetic diseases. Last evaluated: 2019-05-15. Review status: criteria provided, single submitter. Criteria: Ambry exome assertion method (8-5-2015). Collection method: clinical testing. Allele origin: germline. Affected: yes. Observed: 1 variant allele.

NM_002838.5(PTPRC):c.3851C>T (p.Thr1284Met)

Gene: PTPRC (protein tyrosine phosphatase receptor type C; plus strand). Cytogenetic location: 1q32.1.
Variant type: single nucleotide variant.
Coding change: c.3851C>T on transcript NM_002838.5 (MANE Select); coding-DNA position 3851, C replaced by T.
Protein change: p.Thr1284Met; replaces threonine 1284 with methionine.
Molecular consequence: missense variant.
Genome position (GRCh38, 1-based): chr1:198,756,111, C>T. VCF-style: chr1-198756111-C-T. GRCh37 (hg19) VCF-style: chr1-198725240-C-T.
Other names: c.3368C>T, p.Thr1123Met (NM_080921.4); short protein forms T1123M, T1284M.
Identifiers: ClinVar variation 941352 (VCV000941352.10), dbSNP rs762501047, ClinGen allele CA1315571.